The following is an entry in ClinVar:

NM_003106.4(SOX2):c.921_930del (p.Ile308fs)

Genes: SOX2-OT (SOX2 overlapping transcript; plus strand), SOX2 (SRY-box transcription factor 2; plus strand). Cytogenetic location: 3q26.33.
Variant type: Deletion.
Coding change: c.921_930del on transcript NM_003106.4 (MANE Select); coding-DNA positions 921 to 930, 10 bases deleted (CATTAACGGC; older notation c.921_930delCATTAACGGC).
Protein change: p.Ile308fs; shifts the reading frame from isoleucine 308.
Molecular consequence: frameshift variant.
Genome position (GRCh38, 1-based): chr3:181,713,281-181,713,290, CATTAACGGC deleted; deleting any 10 consecutive bases within chr3:181,713,276-181,713,290 gives the same sequence; the c. name uses the placement nearest the transcript's 3' end. VCF-style (leftmost placement, unchanged base first): chr3-181713275-CACGGCCATTA-C. GRCh37 (hg19) VCF-style: chr3-181431063-CACGGCCATTA-C.
Other names: short protein forms I308fs.
Identifiers: ClinVar variation 986762 (VCV000986762.1), dbSNP rs1714882477, ClinGen allele CA1139658377.

ClinVar aggregate classification (germline): Pathogenic (0 of 4 stars; one submission).

Conditions:
Anophthalmia/microphthalmia-esophageal atresia syndrome (MCOPS3). Also called: MICROPHTHALMIA AND ESOPHAGEAL ATRESIA SYNDROME; AEG SYNDROME; SOX2 Disorder. Identifiers: Orphanet 77298, MedGen C1859773, MONDO:0008799, OMIM 206900.

Submission:

Anophthalmia/Microphthalmia Research Registry, Einstein Medical Center Philadelphia
Classification: Pathogenic for Anophthalmia/microphthalmia-esophageal atresia syndrome. Review status: no assertion criteria provided. Collection method: research. Allele origin: germline. Inheritance: Autosomal dominant inheritance. Affected: yes. Observed: 1 variant allele.